The following is an entry in ClinVar:

ClinVar aggregate classification (germline): Uncertain significance. Review status: criteria provided, multiple submitters, no conflicts (2 of 4 stars). 4 submissions from 4 submitters: Uncertain significance (3). 1 of the submissions does not count toward it. Last evaluated 2022-07-27.

Conditions:
Retinitis pigmentosa (RP). Identifiers: Orphanet 791, MedGen C0035334, MeSH D012174, MONDO:0019200, OMIM 268000. Inheritance: Autosomal dominant, autosomal recessive and X linked inheritance.
Retinitis pigmentosa 28 (RP28). Identifiers: Orphanet 791, MedGen C1419614, MONDO:0011630, OMIM 606068.

Allele frequency attached by ClinVar (database versions not stated): gnomAD exomes below 0.00001.
gnomAD v4.1: 2 of 1,613,866 alleles (0.00012%); highest among the groups gnomAD compares: Non-Finnish European, 0.00017%; no homozygotes.

Submissions (4):

Blueprint Genetics
Classification: Uncertain significance. Last evaluated: 2022-07-27. Review status: criteria provided, single submitter. Criteria: ACMG Guidelines, 2015. Collection method: clinical testing. Allele origin: germline.

Labcorp Genetics (formerly Invitae), Labcorp
Classification: Uncertain significance. Last evaluated: 2021-08-24. Review status: criteria provided, single submitter. Criteria: Invitae Variant Classification Sherloc (09022015). Collection method: clinical testing. Allele origin: germline.
Comment: This sequence change replaces asparagine with lysine at codon 657 of the FAM161A protein (p.Asn657Lys). The asparagine residue is weakly conserved and there is a moderate physicochemical difference between asparagine and lysine. This variant is not present in population databases (ExAC no frequency). This variant has not been reported in the literature in individuals affected with FAM161A-related conditions. ClinVar contains an entry for this variant (Variation ID: 336735). Algorithms developed to predict the effect of missense changes on protein structure and function (SIFT, PolyPhen-2, Align-GVGD) all suggest that this variant is likely to be tolerated. In summary, the available evidence is currently insufficient to determine the role of this variant in disease. Therefore, it has been classified as a Variant of Uncertain Significance.

Illumina Laboratory Services, Illumina
Classification: Uncertain significance for Retinitis pigmentosa. Last evaluated: 2018-01-13. Review status: criteria provided, single submitter. Criteria: ICSL Variant Classification Criteria 13 December 2019. Collection method: clinical testing. Allele origin: germline.

Natera, Inc.
Classification: Uncertain significance for Retinitis pigmentosa type 28. Last evaluated: 2021-06-28. Review status: no assertion criteria provided. Collection method: clinical testing. Allele origin: germline. Not counted in ClinVar's aggregate classification.

NM_001201543.2(FAM161A):c.1971T>G (p.Asn657Lys)

Gene: FAM161A (FAM161 centrosomal protein A; minus strand). Cytogenetic location: 2p15.
Variant type: single nucleotide variant.
Coding change: c.1971T>G on transcript NM_001201543.2 (MANE Select); coding-DNA position 1971, T replaced by G.
Protein change: p.Asn657Lys; replaces asparagine 657 with lysine.
Molecular consequence: missense variant. On other transcripts: non-coding transcript variant (1).
Genome position (GRCh38, 1-based): chr2:61,827,139, A>C on the plus strand (T>G on the coding strand, the complement: FAM161A is on the minus strand). VCF-style: chr2-61827139-A-C. GRCh37 (hg19) VCF-style: chr2-62054274-A-C.
Other names: c.1803T>G, p.Asn601Lys (NM_032180.3); short protein forms N657K, N601K.
Identifiers: ClinVar variation 336735 (VCV000336735.10), dbSNP rs867264184, ClinGen allele CA10615689.
Genomic context (GRCh38, chr2:61,827,139, plus strand): 5'-CATTCAGACATCTTATATATGTTACCTTTCTTTGTCTTCAGTGACACTTTTCGTCTCTTG[A>C]TTGTTGAAGTACTCAAGTACTTTTCCACTTTGGCCTTTCTTTGAAACAAACTCATCAGAT-3'
Protein context (NP_001188472.1, residues 647-667): QSGKVLEYFN[Asn657Lys]QETKSVTEDK